The following is an entry in ClinVar:

NM_005797.4(MPZL2):c.39C>T (p.Leu13=)

Gene: MPZL2 (myelin protein zero like 2; minus strand). Cytogenetic location: 11q23.3.
Variant type: single nucleotide variant.
Coding change: c.39C>T on transcript NM_005797.4 (MANE Select); coding-DNA position 39, C replaced by T.
Protein change: p.Leu13=; no amino-acid change (leucine 13 retained).
Molecular consequence: synonymous variant.
Genome position (GRCh38, 1-based): chr11:118,264,115, G>A on the plus strand (C>T on the coding strand, the complement: MPZL2 is on the minus strand). VCF-style: chr11-118264115-G-A. GRCh37 (hg19) VCF-style: chr11-118134830-G-A.
Other names: c.39C>T, p.Leu13= (NM_144765.3).
Identifiers: ClinVar variation 779148 (VCV000779148.37), dbSNP rs36040758, ClinGen allele CA6301506.
Genomic context (GRCh38, chr11:118,264,115, plus strand): 5'-AGTGAAGGAGGAAACTCTGAGAGAAGCCCGCCGGCTCTTACCTGTGAGCTGTATGCCAAG[G>A]AGAAGAAGCACCGCACGAGTAGAGCTCTTGCCATACATGAGGGAAACCCAGCCTTGGCCC-3'
Protein context (NP_005788.1, residues 3-23): GKSSTRAVLL[Leu13=]LGIQLTALWP

ClinVar aggregate classification (germline): Benign/Likely benign. Review status: criteria provided, multiple submitters, no conflicts (2 of 4 stars). 3 submissions from 3 submitters: Benign (1); Likely benign (2). Last evaluated 2025-09-01.

Allele frequency attached by ClinVar (database versions not stated): 1000 Genomes Project 0.00160; 1000 Genomes Project 30x 0.00172; ExAC 0.00508; gnomAD exomes 0.00550 and 0.00873; gnomAD 0.00604 and 0.00616; TOPMed 0.00612; ESP Exome Variant Server 0.00639.

Submissions (3):

CeGaT Center for Human Genetics Tuebingen
Classification: Likely benign. Last evaluated: 2025-09-01. Review status: criteria provided, single submitter. Criteria: CeGaT Center For Human Genetics Tuebingen Variant Classification Criteria Version 2. Collection method: clinical testing. Allele origin: germline. Affected: yes. Observed: 10 variant alleles.
Comment: MPZL2: BP4, BP7, BS2

Labcorp Genetics (formerly Invitae), Labcorp
Classification: Benign. Last evaluated: 2019-12-31. Review status: criteria provided, single submitter. Criteria: Invitae Variant Classification Sherloc (09022015). Collection method: clinical testing. Allele origin: germline.

Breakthrough Genomics
Classification: Likely benign. Review status: criteria provided, single submitter. Criteria: ACMG Guidelines, 2015. Collection method: not provided. Allele origin: germline. Inheritance: Autosomal recessive inheritance. Affected: yes.